The following is an entry in ClinVar:

NM_020778.5(ALPK3):c.3175C>G (p.Arg1059Gly)

Gene: ALPK3 (alpha kinase 3; plus strand). Cytogenetic location: 15q25.3.
Variant type: single nucleotide variant.
Coding change: c.3175C>G on transcript NM_020778.5 (MANE Select); coding-DNA position 3175, C replaced by G.
Protein change: p.Arg1059Gly; replaces arginine 1059 with glycine.
Molecular consequence: missense variant.
Genome position (GRCh38, 1-based): chr15:84,857,913, C>G. VCF-style: chr15-84857913-C-G. GRCh37 (hg19) VCF-style: chr15-85401144-C-G.
Other names: short protein forms R1059G.
Identifiers: ClinVar variation 1952678 (VCV001952678.5), dbSNP rs749465164, ClinGen allele CA7709570.
Genomic context (GRCh38, chr15:84,857,913, plus strand): 5'-CGCCTCACCGGCCTCCTGGACCGTGAGGTGCAGGCTGGCCGCCAGGCCCTTGCTGCTGCC[C>G]GAGGCTCCTGGGGTCCTGGTCCCAGCTCCCTCACTGTCCCTGCCATTGTGGTAGACGAGG-3'
Protein context (NP_065829.4, residues 1049-1069): QAGRQALAAA[Arg1059Gly]GSWGPGPSSL

ClinVar aggregate classification (germline): Uncertain significance (1 of 4 stars; one submission).

gnomAD v4.1: 10 of 1,611,036 alleles (0.00062%); highest among the groups gnomAD compares: Non-Finnish European, 0.00068%; no homozygotes.

Submission:

Labcorp Genetics (formerly Invitae), Labcorp
Classification: Uncertain significance. Last evaluated: 2025-11-09. Review status: criteria provided, single submitter. Criteria: Invitae Variant Classification Sherloc (09022015). Collection method: clinical testing. Allele origin: germline.
Comment: This sequence change replaces arginine, which is basic and polar, with glycine, which is neutral and non-polar, at codon 1261 of the ALPK3 protein (p.Arg1261Gly). This variant is present in population databases (rs749465164, gnomAD 0.001%). This variant has not been reported in the literature in individuals affected with ALPK3-related conditions. ClinVar contains an entry for this variant (Variation ID: 1952678). Invitae Evidence Modeling of protein sequence and biophysical properties (such as structural, functional, and spatial information, amino acid conservation, physicochemical variation, residue mobility, and thermodynamic stability) has been performed for this missense variant. However, the output from this modeling did not meet the statistical confidence thresholds required to predict the impact of this variant on ALPK3 protein function. In summary, the available evidence is currently insufficient to determine the role of this variant in disease. Therefore, it has been classified as a Variant of Uncertain Significance.